The following is an entry in ClinVar:

ClinVar aggregate classification (germline): Uncertain significance. Review status: criteria provided, multiple submitters, no conflicts (2 of 4 stars). 2 submissions from 2 submitters: Uncertain significance (2). Last evaluated 2026-01-01.

Conditions:
Intellectual disability, autosomal recessive 53 (NEDHSCA). Also called: GLYCOSYLPHOSPHATIDYLINOSITOL BIOSYNTHESIS DEFECT 13; Mental retardation, autosomal recessive 53; NEURODEVELOPMENTAL DISORDER WITH OR WITHOUT HYPOTONIA, SEIZURES, AND CEREBELLAR ATROPHY. Identifiers: Orphanet 488635, MedGen C4310794, MONDO:0014832, OMIM 616917.

Allele frequency attached by ClinVar (database versions not stated): gnomAD exomes 0.00005 and 0.00008; ESP Exome Variant Server 0.00008; 1000 Genomes Project 0.00040; gnomAD 0.00005 and 0.00007; TOPMed 0.00005; ExAC 0.00006; 1000 Genomes Project 30x 0.00031.
gnomAD v4.1: 127 of 1,614,134 alleles (0.0079%); highest among the groups gnomAD compares: African/African-American, 0.012%; no homozygotes.

Submissions (2):

GeneDx
Classification: Uncertain significance. Last evaluated: 2026-01-01. Review status: criteria provided, single submitter. Criteria: GeneDx Variant Classification Process June 2021. Collection method: clinical testing. Allele origin: germline.
Comment: Not observed at significant frequency in large population cohorts (gnomAD); In silico analysis suggests that this missense variant does not alter protein structure/function; Has not been previously published as pathogenic or benign to our knowledge

Labcorp Genetics (formerly Invitae), Labcorp
Classification: Uncertain significance for Intellectual disability, autosomal recessive 53. Last evaluated: 2022-04-29. Review status: criteria provided, single submitter. Criteria: Invitae Variant Classification Sherloc (09022015). Collection method: clinical testing. Allele origin: germline.
Comment: This sequence change replaces arginine, which is basic and polar, with glutamine, which is neutral and polar, at codon 633 of the PIGG protein (p.Arg633Gln). This variant is present in population databases (rs201475664, gnomAD 0.01%). This variant has not been reported in the literature in individuals affected with PIGG-related conditions. ClinVar contains an entry for this variant (Variation ID: 970498). Algorithms developed to predict the effect of missense changes on protein structure and function (SIFT, PolyPhen-2, Align-GVGD) all suggest that this variant is likely to be tolerated. In summary, the available evidence is currently insufficient to determine the role of this variant in disease. Therefore, it has been classified as a Variant of Uncertain Significance.

NM_001127178.3(PIGG):c.1898G>A (p.Arg633Gln)

Gene: PIGG (phosphatidylinositol glycan anchor biosynthesis class G (EMM blood group); plus strand). Cytogenetic location: 4p16.3.
Variant type: single nucleotide variant.
Coding change: c.1898G>A on transcript NM_001127178.3 (MANE Select); coding-DNA position 1898, G replaced by A.
Protein change: p.Arg633Gln; replaces arginine 633 with glutamine.
Molecular consequence: missense variant. On other transcripts: non-coding transcript variant (6).
Genome position (GRCh38, 1-based): chr4:523,742, G>A. VCF-style: chr4-523742-G-A. GRCh37 (hg19) VCF-style: chr4-517531-G-A.
Other names: c.1631G>A, p.Arg544Gln (NM_001289051.2, NM_001345986.2); c.1499G>A, p.Arg500Gln (NM_001289052.2); c.1607G>A, p.Arg536Gln (NM_001345987.2); c.869G>A, p.Arg290Gln (NM_001345988.2); c.365G>A, p.Arg122Gln (NM_001345990.2, NM_001345991.2); c.800G>A, p.Arg267Gln (NM_001345994.2); c.1874G>A, p.Arg625Gln (NM_017733.5); short protein forms R544Q, R290Q, R500Q, R536Q, R625Q, R122Q, R267Q, R633Q.
Identifiers: ClinVar variation 970498 (VCV000970498.9), dbSNP rs201475664, ClinGen allele CA2793478.
Genomic context (GRCh38, chr4:523,742, plus strand): 5'-AAGGGCATGACGGGGCCACAGCAGCGTGGCAGGACGGGCCTGGCTGTGATGTCCTGGAGC[G>A]AGACAAAGGCCACGGAAGCCCCTCTACCTCCGAAGTGCTCAGAGGCCGCGAGAAGTGGAT-3'
Protein context (NP_001120650.1, residues 623-643): QDGPGCDVLE[Arg633Gln]DKGHGSPSTS